The following is an entry in ClinVar:

ClinVar aggregate classification (germline): Pathogenic (1 of 4 stars; one submission).

Conditions:
Hereditary breast ovarian cancer syndrome. Also called: Hereditary breast and ovarian cancer syndrome; Hereditary breast and ovarian cancer syndrome (HBOC); Hereditary breast and/or ovarian cancer syndrome; Hereditary breast and ovarian cancer; Breast and ovarian cancer; BRCA1- and BRCA2-Associated Hereditary Breast and Ovarian Cancer. Identifiers: Orphanet 145, MedGen C0677776, MeSH D061325, MONDO:0003582. Disease mechanism: loss of function.

Submission:

Labcorp Genetics (formerly Invitae), Labcorp
Classification: Pathogenic for Hereditary breast ovarian cancer syndrome. Last evaluated: 2024-01-13. Review status: criteria provided, single submitter. Criteria: Invitae Variant Classification Sherloc (09022015). Collection method: clinical testing. Allele origin: germline.
Comment: This sequence change creates a premature translational stop signal (p.Leu1198Phefs*21) in the BRCA1 gene. It is expected to result in an absent or disrupted protein product. Loss-of-function variants in BRCA1 are known to be pathogenic (PMID: 20104584). This variant is not present in population databases (gnomAD no frequency). This variant has not been reported in the literature in individuals affected with BRCA1-related conditions. For these reasons, this variant has been classified as Pathogenic.

Literature cited by the submitters: PubMed 20104584.

NM_007294.4(BRCA1):c.3593dup (p.Leu1198fs)

Genes: BRCA1 (BRCA1 DNA repair associated; minus strand), LOC126862571 (BRD4-independent group 4 enhancer GRCh37_chr17:41243136-41244335; plus strand). Cytogenetic location: 17q21.31.
Variant type: Duplication.
Coding change: c.3593dup on transcript NM_007294.4 (MANE Select); coding-DNA position 3593, one base duplicated (T; older notation c.3593dupT).
Protein change: p.Leu1198fs; shifts the reading frame from leucine 1198.
Molecular consequence: frameshift variant. On other transcripts: intron variant (135).
Genome position (GRCh38, 1-based): chr17:43,091,938, A duplicated on the plus strand (T on the coding strand, the reverse complement: BRCA1 is on the minus strand); the first of 3 consecutive A bases (chr17:43,091,938-43,091,940); duplicating any one gives the same sequence. VCF-style (leftmost placement, unchanged base first): chr17-43091937-C-CA. GRCh37 (hg19) VCF-style: chr17-41243954-C-CA.
Other names: c.3449dup, p.Leu1150fs (NM_001407838.1, NM_001407839.1, NM_001407841.1 and 20 more transcripts); c.3452dup, p.Leu1151fs (NM_001407850.1, NM_001407852.1, NM_001407851.1 and 29 more transcripts); c.3380dup, p.Leu1127fs (NM_001407853.1, NM_001407571.1, NM_001407894.1 and 9 more transcripts); c.3593dup, p.Leu1198fs (NM_001407581.1, NM_001407582.1, NM_001407583.1 and 30 more transcripts); c.3590dup, p.Leu1197fs (NM_001407587.1, NM_001407590.1, NM_001407591.1 and 22 more transcripts); c.3584dup, p.Leu1195fs (NM_001407646.1, NM_001407647.1); c.3470dup, p.Leu1157fs (NM_001407648.1, NM_001407664.1, NM_001407665.1 and 19 more transcripts); c.3467dup, p.Leu1156fs (NM_001407649.1, NM_001407670.1, NM_001407671.1 and 11 more transcripts); and 41 more; short protein forms L1127fs, L1128fs, L1151fs, L1157fs, L1195fs, L1030fs, L1071fs, L1109fs.
Identifiers: ClinVar variation 2709217 (VCV002709217.3), dbSNP rs80357562, ClinGen allele CA2697559868.